The following is an entry in ClinVar:

NM_170606.3(KMT2C):c.2847C>T (p.Ser949=)

Gene: KMT2C (lysine methyltransferase 2C; minus strand). Cytogenetic location: 7q36.1.
Variant type: single nucleotide variant.
Coding change: c.2847C>T on transcript NM_170606.3 (MANE Select); coding-DNA position 2847, C replaced by T.
Protein change: p.Ser949=; no amino-acid change (serine 949 retained).
Molecular consequence: synonymous variant.
Genome position (GRCh38, 1-based): chr7:152,230,244, G>A on the plus strand (C>T on the coding strand, the complement: KMT2C is on the minus strand). VCF-style: chr7-152230244-G-A. GRCh37 (hg19) VCF-style: chr7-151927329-G-A.
Identifiers: ClinVar variation 3341800 (VCV003341800.16).

ClinVar aggregate classification (germline): Likely benign (1 of 4 stars; one submission).

Submission:

CeGaT Center for Human Genetics Tuebingen
Classification: Likely benign. Last evaluated: 2024-08-01. Review status: criteria provided, single submitter. Criteria: CeGaT Center For Human Genetics Tuebingen Variant Classification Criteria Version 2. Collection method: clinical testing. Allele origin: germline. Affected: yes. Observed: 1 variant allele.
Comment: KMT2C: BP4, BP7